The following is an entry in ClinVar:

ClinVar aggregate classification (germline): Uncertain significance. Review status: criteria provided, multiple submitters, no conflicts (2 of 4 stars). 2 submissions from 2 submitters: Uncertain significance (2). Last evaluated 2026-02-28.

Conditions:
Alzheimer disease. Also called: Presenile and senile dementia; Alzheimer's disease. Identifiers: Orphanet 1020, MedGen C0002395, MeSH D000544, MONDO:0004975, HP:0002511.

gnomAD v4.1: 12 of 1,613,842 alleles (0.00074%); highest among the groups gnomAD compares: Non-Finnish European, 0.00093%; no homozygotes.

Submissions (2):

GeneDx
Classification: Uncertain significance. Last evaluated: 2026-02-28. Review status: criteria provided, single submitter. Criteria: GeneDx Variant Classification Process June 2021. Collection method: clinical testing. Allele origin: germline.
Comment: Not observed at significant frequency in large population cohorts (gnomAD); In silico analysis supports that this missense variant has a deleterious effect on protein structure/function; Has not been previously published as pathogenic or benign to our knowledge

Labcorp Genetics (formerly Invitae), Labcorp
Classification: Uncertain significance for Alzheimer disease. Last evaluated: 2026-01-18. Review status: criteria provided, single submitter. Criteria: Invitae Variant Classification Sherloc (09022015). Collection method: clinical testing. Allele origin: germline.
Comment: This sequence change replaces serine, which is neutral and polar, with cysteine, which is neutral and slightly polar, at codon 750 of the APP protein (p.Ser750Cys). This variant is not present in population databases (gnomAD no frequency). This variant has not been reported in the literature in individuals affected with APP-related conditions. Invitae Evidence Modeling of protein sequence and biophysical properties (such as structural, functional, and spatial information, amino acid conservation, physicochemical variation, residue mobility, and thermodynamic stability) indicates that this missense variant is expected to disrupt APP protein function with a positive predictive value of 80%. In summary, the available evidence is currently insufficient to determine the role of this variant in disease. Therefore, it has been classified as a Variant of Uncertain Significance.

NM_000484.4(APP):c.2249C>G (p.Ser750Cys)

Gene: APP (amyloid beta precursor protein; minus strand). Cytogenetic location: 21q21.3.
Variant type: single nucleotide variant.
Coding change: c.2249C>G on transcript NM_000484.4 (MANE Select); coding-DNA position 2249, C replaced by G.
Protein change: p.Ser750Cys; replaces serine 750 with cysteine.
Molecular consequence: missense variant.
Genome position (GRCh38, 1-based): chr21:25,881,734, G>C on the plus strand (C>G on the coding strand, the complement: APP is on the minus strand). VCF-style: chr21-25881734-G-C. GRCh37 (hg19) VCF-style: chr21-27254045-G-C.
Other names: c.2249C>G (NM_000484.3); c.2177C>G, p.Ser726Cys (NM_001136016.3); c.1856C>G, p.Ser619Cys (NM_001136129.3); c.2081C>G, p.Ser694Cys (NM_001136130.3, NM_001385253.1); c.1919C>G, p.Ser640Cys (NM_001136131.3); c.2195C>G, p.Ser732Cys (NM_001204301.2); c.2138C>G, p.Ser713Cys (NM_001204302.2); c.1970C>G, p.Ser657Cys (NM_001204303.2); and 2 more; short protein forms S732C, S657C, S675C, S726C, S731C, S750C, S640C, S694C.
Identifiers: ClinVar variation 4707131 (VCV004707131.2).